The following is an entry in ClinVar:

ClinVar aggregate classification (germline): Uncertain significance (1 of 4 stars; one submission).

Conditions:
Hereditary cancer-predisposing syndrome. Also called: Tumor predisposition; Hereditary neoplastic syndrome; Hereditary Cancer Syndrome; Neoplastic Syndromes, Hereditary. Identifiers: Orphanet 140162, MedGen C0027672, MeSH D009386, MONDO:0015356.

Submission:

Ambry Genetics
Classification: Uncertain significance for Hereditary cancer-predisposing syndrome. Last evaluated: 2025-05-23. Review status: criteria provided, single submitter. Criteria: Ambry Variant Classification Scheme 2023. Collection method: clinical testing. Allele origin: germline.
Comment: The p.E379D variant (also known as c.1137G>T), located in coding exon 11 of the TSC2 gene, results from a G to T substitution at nucleotide position 1137. The glutamic acid at codon 379 is replaced by aspartic acid, an amino acid with highly similar properties. This amino acid position is conserved. In addition, the in silico prediction for this alteration is inconclusive. Based on the available evidence, the clinical significance of this variant remains unclear.

NM_000548.5(TSC2):c.1137G>T (p.Glu379Asp)

Gene: TSC2 (TSC complex subunit 2; plus strand). Cytogenetic location: 16p13.3.
Variant type: single nucleotide variant.
Coding change: c.1137G>T on transcript NM_000548.5 (MANE Select); coding-DNA position 1137, G replaced by T.
Protein change: p.Glu379Asp; replaces glutamic acid 379 with aspartic acid.
Molecular consequence: missense variant. On other transcripts: 5 prime UTR variant (10), non-coding transcript variant (5).
Genome position (GRCh38, 1-based): chr16:2,061,888, G>T. VCF-style: chr16-2061888-G-T. GRCh37 (hg19) VCF-style: chr16-2111889-G-T.
Other names: c.537G>T, p.Glu179Asp (NM_001406684.1, NM_001406685.1, NM_001406686.1 and 6 more transcripts); c.-208G>T (NM_001406689.1, NM_001406690.1, NM_001406691.1 and 4 more transcripts); c.-176G>T (NM_001406694.1, NM_001406695.1); c.1137G>T, p.Glu379Asp (NM_021055.3, NM_001077183.3, NM_001114382.3 and 6 more transcripts); c.-384G>T (NM_001406698.1); c.675G>T, p.Glu225Asp (NM_001406681.1); c.1227G>T, p.Glu409Asp (NM_001406668.1, NM_001406667.1); c.1026G>T, p.Glu342Asp (NM_001406670.1, NM_001406678.1, NM_001318827.2); and 4 more; short protein forms E179D, E330D, E409D, E225D, E342D, E360D, E375D, E379D.
Identifiers: ClinVar variation 3974692 (VCV003974692.1).
Genomic context (GRCh38, chr16:2,061,888, plus strand): 5'-GGGGAGTGGAAGTCAGCCTGTGTCATCGTGCCTGGTACTGCAGACCTTGGACAGCCCGGA[G>T]CTCAGGACCATCGTCCATGACCTGTTGACCACGGTGGAGGAGCTGTGTGACCAGAACGAG-3'
Protein context (NP_000539.2, residues 369-389): LQQLQTLDSP[Glu379Asp]LRTIVHDLLT